The following is an entry in ClinVar:

ClinVar aggregate classification (germline): Likely benign (1 of 4 stars; one submission).

Conditions:
Spinocerebellar ataxia, autosomal recessive, with axonal neuropathy 1 (SCAN1). Identifiers: Orphanet 94124, MedGen C4759870, MONDO:0011801, OMIM 607250.

Allele frequency attached by ClinVar (database versions not stated): gnomAD 0.00222 and 0.00238; TOPMed 0.00247; 1000 Genomes Project 0.00280; 1000 Genomes Project 30x 0.00281.

Submission:

Illumina Laboratory Services, Illumina
Classification: Likely benign for Spinocerebellar ataxia, autosomal recessive, with axonal neuropathy 1. Last evaluated: 2018-01-13. Review status: criteria provided, single submitter. Criteria: ICSL Variant Classification Criteria 13 December 2019. Collection method: clinical testing. Allele origin: germline.
Comment: This variant was observed in the ICSL laboratory as part of a predisposition screen in an ostensibly healthy population. It had not been previously curated by ICSL or reported in the Human Gene Mutation Database (HGMD: prior to June 1st, 2018), and was therefore a candidate for classification through an automated scoring system. Utilizing variant allele frequency, disease prevalence and penetrance estimates, and inheritance mode, an automated score was calculated to assess if this variant is too frequent to cause the disease. Based on the score and internal cut-off values, a variant classified as likely benign is not then subjected to further curation. The score for this variant resulted in a classification of likely benign for this disease.

NM_018319.4(TDP1):c.*599G>C

Gene: TDP1 (tyrosyl-DNA phosphodiesterase 1; plus strand). Cytogenetic location: 14q32.11.
Variant type: single nucleotide variant.
Coding change: c.*599G>C on transcript NM_018319.4 (MANE Select); 599 bases downstream of the stop codon, G replaced by C.
Molecular consequence: 3 prime UTR variant.
Genome position (GRCh38, 1-based): chr14:90,043,742, G>C. VCF-style: chr14-90043742-G-C. GRCh37 (hg19) VCF-style: chr14-90510086-G-C.
Other names: c.*599G>C (NM_001008744.2); c.*580G>C (NM_001330205.2).
Identifiers: ClinVar variation 886064 (VCV000886064.4), dbSNP rs184066284, ClinGen allele CA264594189.